The following is an entry in ClinVar:

ClinVar aggregate classification (germline): Conflicting classifications of pathogenicity. Review status: criteria provided, conflicting classifications (1 of 4 stars). 2 submissions from 2 submitters: Uncertain significance (1); Likely benign (1). Last evaluated 2024-05-02.

Conditions:
Inborn genetic diseases. Identifiers: MedGen C0950123, MeSH D030342.

Allele frequency attached by ClinVar (database versions not stated): 1000 Genomes Project 30x 0.00016; 1000 Genomes Project 0.00020.
gnomAD v4.1: 27 of 1,614,136 alleles (0.0017%); highest among the groups gnomAD compares: African/African-American, 0.02%; no homozygotes.

Submissions (2):

GeneDx
Classification: Uncertain significance. Last evaluated: 2024-05-02. Review status: criteria provided, single submitter. Criteria: GeneDx Variant Classification Process June 2021. Collection method: clinical testing. Allele origin: germline. Affected: yes.
Comment: In silico analysis indicates that this missense variant does not alter protein structure/function; Has not been previously published as pathogenic or benign to our knowledge

Ambry Genetics
Classification: Likely benign for Inborn genetic diseases. Last evaluated: 2022-11-30. Review status: criteria provided, single submitter. Criteria: Ambry Variant Classification Scheme 2023. Collection method: clinical testing. Allele origin: germline.

NM_001083961.2(WDR62):c.3133G>A (p.Val1045Ile)

Gene: WDR62 (WD repeat domain 62; plus strand). Cytogenetic location: 19q13.12.
Variant type: single nucleotide variant.
Coding change: c.3133G>A on transcript NM_001083961.2 (MANE Select); coding-DNA position 3133, G replaced by A.
Protein change: p.Val1045Ile; replaces valine 1045 with isoleucine.
Molecular consequence: missense variant. On other transcripts: intron variant (1).
Genome position (GRCh38, 1-based): chr19:36,102,064, G>A. VCF-style: chr19-36102064-G-A. GRCh37 (hg19) VCF-style: chr19-36592966-G-A.
Other names: c.3118G>A, p.Val1040Ile (NM_001411145.1); c.2782G>A, p.Val928Ile (NM_001411147.1); c.3133G>A, p.Val1045Ile (NM_173636.5); c.2972-673G>A (NM_001411146.1); short protein forms V928I, V1040I, V1045I.
Identifiers: ClinVar variation 2388462 (VCV002388462.3), dbSNP rs563536911, ClinGen allele CA9396165.